The following is an entry in ClinVar:

NM_022124.6(CDH23):c.6674C>G (p.Pro2225Arg)

Gene: CDH23 (cadherin related 23; plus strand). Cytogenetic location: 10q22.1.
Variant type: single nucleotide variant.
Coding change: c.6674C>G on transcript NM_022124.6 (MANE Select); coding-DNA position 6674, C replaced by G.
Protein change: p.Pro2225Arg; replaces proline 2225 with arginine.
Molecular consequence: missense variant.
Genome position (GRCh38, 1-based): chr10:71,793,602, C>G. VCF-style: chr10-71793602-C-G. GRCh37 (hg19) VCF-style: chr10-73553359-C-G.
Other names: short protein forms P2225R.
Identifiers: ClinVar variation 4056968 (VCV004056968.1).
Genomic context (GRCh38, chr10:71,793,602, plus strand): 5'-CAAAGCTAGAGTACCACATTGTCGGCATTGTGGCCAAGGACGACACTGATCGCCTGGTGC[C>G]CAACCAGGAGGACGCCTTTGCTGTGAATATCAACACAGGTACAAGGGCCTGCACCCCTCC-3'
Protein context (NP_071407.4, residues 2215-2235): VAKDDTDRLV[Pro2225Arg]NQEDAFAVNI

ClinVar aggregate classification (germline): Uncertain significance (1 of 4 stars; one submission).

Submission:

GeneDx
Classification: Uncertain significance. Last evaluated: 2025-01-08. Review status: criteria provided, single submitter. Criteria: GeneDx Variant Classification Process June 2021. Collection method: clinical testing. Allele origin: germline. Affected: yes.
Comment: Not observed at significant frequency in large population cohorts (gnomAD); In silico analysis supports that this missense variant has a deleterious effect on protein structure/function; Has not been previously published as pathogenic or benign to our knowledge